The following is an entry in ClinVar:

ClinVar aggregate classification (germline): Uncertain significance. Review status: criteria provided, multiple submitters, no conflicts (2 of 4 stars). 3 submissions from 3 submitters: Uncertain significance (3). Last evaluated 2025-08-10.

Conditions:
Cardiomyopathy (CMYO). Also called: Cardiomyopathies. Identifiers: Orphanet 167848, MedGen C0878544, MONDO:0004994, HP:0001638. Inheritance: Various modes of inheritance.
Cardiovascular phenotype. Identifiers: MedGen CN230736.

gnomAD v4.1: 1 of 1,614,070 alleles (0.000062%); highest among the groups gnomAD compares: Non-Finnish European, 0.000085%; no homozygotes.

Submissions (3):

Color Diagnostics, LLC DBA Color Health
Classification: Uncertain significance for Cardiomyopathy. Last evaluated: 2025-08-10. Review status: criteria provided, single submitter. Criteria: ACMG Guidelines, 2015. Collection method: clinical testing. Allele origin: germline.
Comment: This missense variant replaces glycine with valine at codon 693 of the DSC2 protein. Computational prediction suggests that this variant may not impact protein structure and function. To our knowledge, functional studies have not been reported for this variant. This variant has not been reported in individuals affected with DSC2-related disorders in the literature. This variant has not been identified in the general population by the Genome Aggregation Database (gnomAD). The available evidence is insufficient to determine the role of this variant in disease conclusively. Therefore, this variant is classified as a Variant of Uncertain Significance.

GeneDx
Classification: Uncertain significance. Last evaluated: 2025-04-07. Review status: criteria provided, single submitter. Criteria: GeneDx Variant Classification Process June 2021. Collection method: clinical testing. Allele origin: germline. Affected: yes.
Comment: Not observed at significant frequency in large population cohorts (gnomAD); In silico analysis supports that this missense variant has a deleterious effect on protein structure/function; Has not been previously published as pathogenic or benign to our knowledge

Ambry Genetics
Classification: Uncertain significance for Cardiovascular phenotype. Last evaluated: 2024-09-11. Review status: criteria provided, single submitter. Criteria: Ambry Variant Classification Scheme 2023. Collection method: clinical testing. Allele origin: germline.
Comment: The p.G693V variant (also known as c.2078G>T), located in coding exon 13 of the DSC2 gene, results from a G to T substitution at nucleotide position 2078. The glycine at codon 693 is replaced by valine, an amino acid with dissimilar properties. This amino acid position is conserved. In addition, the in silico prediction for this alteration is inconclusive. Based on the available evidence, the clinical significance of this variant remains unclear.

NM_024422.6(DSC2):c.2078G>T (p.Gly693Val)

Gene: DSC2 (desmocollin 2; minus strand). Cytogenetic location: 18q12.1.
Variant type: single nucleotide variant.
Coding change: c.2078G>T on transcript NM_024422.6 (MANE Select); coding-DNA position 2078, G replaced by T.
Protein change: p.Gly693Val; replaces glycine 693 with valine.
Molecular consequence: missense variant.
Genome position (GRCh38, 1-based): chr18:31,071,652, C>A on the plus strand (G>T on the coding strand, the complement: DSC2 is on the minus strand). VCF-style: chr18-31071652-C-A. GRCh37 (hg19) VCF-style: chr18-28651618-C-A.
Other names: c.1649G>T, p.Gly550Val (NM_001406506.1, NM_001406507.1); c.2078G>T, p.Gly693Val (NM_004949.5); short protein forms G693V, G550V.
Identifiers: ClinVar variation 3505316 (VCV003505316.3).